The following is an entry in ClinVar:

ClinVar aggregate classification (germline): Pathogenic/Likely pathogenic. Review status: criteria provided, multiple submitters, no conflicts (2 of 4 stars). 2 submissions from 2 submitters: Pathogenic (1); Likely pathogenic (1). Last evaluated 2023-01-12.

Conditions:
Hereditary factor IX deficiency disease (HEMB). Also called: Christmas Disease; F9 DEFICIENCY; FACTOR IX DEFICIENCY; PLASMA THROMBOPLASTIN COMPONENT DEFICIENCY; Hemophilia B. Identifiers: Orphanet 98879, MedGen C0008533, MeSH D002836, MONDO:0010604, OMIM 306900.

Submissions (2):

Women's Health and Genetics/Laboratory Corporation of America, LabCorp
Classification: Likely pathogenic for Hereditary factor IX deficiency disease. Last evaluated: 2023-01-12. Review status: criteria provided, single submitter. Criteria: LabCorp Variant Classification Summary - May 2015. Collection method: clinical testing. Allele origin: germline.
Comment: Variant summary: F9 c.731T>C (p.Leu244Ser) results in a non-conservative amino acid change located in the catalytic domain (IPR001254) of the encoded protein sequence. Five of five in-silico tools predict a damaging effect of the variant on protein function. In addition, in silico studies based on 3D homology modeling also suggest a detrimental effect for the variant (e.g. Wacey_1994, Bicocchi_2006). The variant was absent in 183423 control chromosomes (gnomAD). The variant, c.731T>C (aka. T30046C / p.L198S) has been reported in the literature in at least three individuals affected with severe Factor IX Deficiency (Hemophilia B), i.e. where all of these individuals had <1% residual activity, determined using the one-stage clotting assay (FIX:C) (Ketterling_1993, Karimipoor_2007, Bicocchi_2006). In addition, the variant was also reported in 2 siblings with mild Factor IX Deficiency, however these individuals also carried a missense variant in cis (c.1159A>G (p.Lys387Glu)), which could contribute to the overall residual activity (Ghosh_2009). These data indicate that the variant is likely associated with disease. To our knowledge, no experimental evidence demonstrating an impact on protein function has been reported. Another variant affecting the same amino acid (c.731T>G / p.L244W) is reported in affected individual(s) (HGMD), supporting a functional importance for this residue. One clinical diagnostic laboratory has submitted clinical-significance assessments for this variant to ClinVar after 2014, and classified the variant as pathogenic. Based on the evidence outlined above, the variant was classified as likely pathogenic.

ARUP Laboratories, Molecular Genetics and Genomics, ARUP Laboratories
Classification: Pathogenic. Last evaluated: 2019-04-19. Review status: criteria provided, single submitter. Criteria: ARUP Molecular Germline Variant Investigation Process. Collection method: clinical testing. Allele origin: germline.
Comment: The F9 c.731T>C; p.Leu244Ser variant, also known as 30046T>C; p.L198S in traditional nomenclature, is reported in the literature in multiple individuals affected with mild to moderate hemophilia B (Factor IX database, Ghosh 2009, Giannelli 1994, Ketterling 1993). This variant is absent from general population databases (Exome Variant Server, Genome Aggregation Database), indicating it is not a common polymorphism. The leucine at codon 244 is moderately conserved, and computational analyses (SIFT, PolyPhen-2) predict that this variant is deleterious. Additionally, another variant at this codon (c.731T>G; p.Leu244Trp) has been reported in individuals with severe hemophilia B and is considered pathogenic (Giannelli 1994). Based on available information, the p.Leu244Ser variant is considered to be pathogenic. References: Link to Factor IX database: Ghosh K et al. Double mutations causing haemophilia B: a double whammy! Br J Haematol. 2009 May;145(3):433-5. Giannelli F et al. Haemophilia B: database of point mutations and short additions and deletions, fifth edition, 1994. Nucleic Acids Res. 1994 Sep;22(17):3534-46. Ketterling RP et al. Germ-line origins of mutation in families with hemophilia B: the sex ratio varies with the type of mutation. Am J Hum Genet. 1993 Jan;52(1):152-66.

Literature cited by the submitters: PubMed 16643212 (cited by Women's Health and Genetics/Laboratory Corporation of America, LabCorp); PubMed 19236374 (cited by Women's Health and Genetics/Laboratory Corporation of America, LabCorp); PubMed 8392713 (cited by Women's Health and Genetics/Laboratory Corporation of America, LabCorp); PubMed 17014892 (cited by Women's Health and Genetics/Laboratory Corporation of America, LabCorp); PubMed 8434583 (cited by Women's Health and Genetics/Laboratory Corporation of America, LabCorp); PubMed 7989034 (cited by Women's Health and Genetics/Laboratory Corporation of America, LabCorp).

NM_000133.4(F9):c.731T>C (p.Leu244Ser)

Gene: F9 (coagulation factor IX; plus strand). Cytogenetic location: Xq27.1.
Variant type: single nucleotide variant.
Coding change: c.731T>C on transcript NM_000133.4 (MANE Select); coding-DNA position 731, T replaced by C.
Protein change: p.Leu244Ser; replaces leucine 244 with serine.
Molecular consequence: missense variant.
Genome position (GRCh38, 1-based): chrX:139,560,748, T>C. VCF-style: chrX-139560748-T-C. GRCh37 (hg19) VCF-style: chrX-138642907-T-C.
Other names: c.617T>C, p.Leu206Ser (NM_001313913.2); c.731T>C (NM_000133.3); short protein forms L206S, L244S.
Identifiers: ClinVar variation 811504 (VCV000811504.11), dbSNP rs1603267171, ClinGen allele CA414443050.